The following is an entry in ClinVar:

NM_001025389.2(AMPD3):c.931G>T (p.Val311Leu)

Gene: AMPD3 (adenosine monophosphate deaminase 3; plus strand). Cytogenetic location: 11p15.4.
Variant type: single nucleotide variant.
Coding change: c.931G>T on transcript NM_001025389.2 (MANE Select); coding-DNA position 931, G replaced by T.
Protein change: p.Val311Leu; replaces valine 311 with leucine.
Molecular consequence: missense variant.
Genome position (GRCh38, 1-based): chr11:10,487,356, G>T. VCF-style: chr11-10487356-G-T. GRCh37 (hg19) VCF-style: chr11-10508903-G-T.
Other names: c.958G>T, p.Val320Leu (NM_000480.3); c.952G>T, p.Val318Leu (NM_001025390.2); c.931G>T, p.Val311Leu (NM_001172430.1); c.454G>T, p.Val152Leu (NM_001172431.2); short protein forms V311L, V320L, V152L, V318L.
Identifiers: ClinVar variation 166685 (VCV000166685.19), dbSNP rs117706710, ClinGen allele CA179743.

ClinVar aggregate classification (germline): Conflicting classifications of pathogenicity. Review status: criteria provided, conflicting classifications (1 of 4 stars). 5 submissions from 5 submitters: Uncertain significance (1); Benign (1); Likely benign (2). 1 of the submissions does not count toward it. Last evaluated 2025-09-01.

Conditions:
AMPD3-related disorder. Also called: AMPD3-related condition.
Erythrocyte AMP deaminase deficiency. Identifiers: Orphanet 45, MedGen C2752073, OMIM 612874, MONDO:0020734.

Allele frequency attached by ClinVar (database versions not stated): gnomAD 0.00689 and 0.00700; 1000 Genomes Project 0.00280; 1000 Genomes Project 30x 0.00312; TOPMed 0.00557; ESP Exome Variant Server 0.00862.
gnomAD v4.1: 13,236 of 1,614,054 alleles (0.82%); highest among the groups gnomAD compares: Non-Finnish European, 0.97%; 66 homozygotes.

Submissions (5):

CeGaT Center for Human Genetics Tuebingen
Classification: Likely benign. Last evaluated: 2025-09-01. Review status: criteria provided, single submitter. Criteria: CeGaT Center For Human Genetics Tuebingen Variant Classification Criteria Version 2. Collection method: clinical testing. Allele origin: germline. Affected: yes. Observed: 1 variant allele.
Comment: AMPD3: PS1, PP3, BS1, BS2

Center for Pediatric Genomic Medicine, Children's Mercy Hospital and Clinics
Classification: Likely benign. Last evaluated: 2017-05-30. Review status: criteria provided, single submitter. Criteria: ACMG Guidelines, 2015. Collection method: clinical testing. Allele origin: germline.

Illumina Laboratory Services, Illumina
Classification: Uncertain significance for Erythrocyte AMP deaminase deficiency. Last evaluated: 2017-04-27. Review status: criteria provided, single submitter. Criteria: ICSL Variant Classification Criteria 13 December 2019. Collection method: clinical testing. Allele origin: germline.

Eurofins Ntd Llc (ga)
Classification: Benign. Last evaluated: 2014-01-27. Review status: criteria provided, single submitter. Criteria: EGL Classification Definitions 2015. Collection method: clinical testing. Allele origin: germline. Observed: 1 variant allele, 1 heterozygote.

PreventionGenetics, part of Exact Sciences
Classification: Benign for AMPD3-related condition. Last evaluated: 2020-07-13. Review status: no assertion criteria provided. Collection method: clinical testing. Allele origin: germline. Not counted in ClinVar's aggregate classification.
Comment: This variant is classified as benign based on ACMG/AMP sequence variant interpretation guidelines (Richards et al. 2015 PMID: 25741868, with internal and published modifications).